The following is an entry in ClinVar:

ClinVar aggregate classification (germline): Benign (0 of 4 stars; one submission).

Conditions:
AQP3-related disorder. Also called: AQP3-related condition.

Allele frequency attached by ClinVar (database versions not stated): gnomAD exomes 0.60336; ExAC 0.62760; ESP Exome Variant Server 0.64001; gnomAD 0.65054; TOPMed 0.65586; 1000 Genomes Project 0.65875; 1000 Genomes Project 30x 0.66146.

Submission:

PreventionGenetics, part of Exact Sciences
Classification: Benign for AQP3-related condition. Last evaluated: 2019-10-17. Review status: no assertion criteria provided. Collection method: clinical testing. Allele origin: germline.
Comment: This variant is classified as benign based on ACMG/AMP sequence variant interpretation guidelines (Richards et al. 2015 PMID: 25741868, with internal and published modifications).

NM_004925.5(AQP3):c.390C>T (p.Phe130=)

Genes: AQP3 (aquaporin 3 (Gill blood group); minus strand), LOC126860615 (CDK7 strongly-dependent group 2 enhancer GRCh37_chr9:33442744-33443943; plus strand). Cytogenetic location: 9p13.3.
Variant type: single nucleotide variant.
Coding change: c.390C>T on transcript NM_004925.5 (MANE Select); coding-DNA position 390, C replaced by T.
Protein change: p.Phe130=; no amino-acid change (phenylalanine 130 retained).
Molecular consequence: synonymous variant.
Genome position (GRCh38, 1-based): chr9:33,442,954, G>A on the plus strand (C>T on the coding strand, the complement: AQP3 is on the minus strand). VCF-style: chr9-33442954-G-A. GRCh37 (hg19) VCF-style: chr9-33442952-G-A.
Other names: c.390C>T, p.Phe130= (NM_001318144.2).
Identifiers: ClinVar variation 3060388 (VCV003060388.2), dbSNP rs2228332, ClinGen allele CA5026422.